The following is an entry in ClinVar:

ClinVar aggregate classification (germline): Uncertain significance. Review status: criteria provided, multiple submitters, no conflicts (2 of 4 stars). 5 submissions from 5 submitters: Uncertain significance (5). Last evaluated 2025-01-28.

Conditions:
Stickler syndrome, type 4 (STL4). Identifiers: Orphanet 250984, Orphanet 828, MedGen C3279941, MONDO:0013590, OMIM 614134.
Epiphyseal dysplasia, multiple, 6. Also called: COL9A1-Related Multiple Epiphyseal Dysplasia. Identifiers: MedGen C2675767, MONDO:0013591, OMIM 614135.
Inborn genetic diseases. Identifiers: MedGen C0950123, MeSH D030342.

Allele frequency attached by ClinVar (database versions not stated): ExAC 0.00002; gnomAD 0.00002; gnomAD exomes 0.00002; TOPMed 0.00002.
gnomAD v4.1: 41 of 1,613,888 alleles (0.0025%); highest among the groups gnomAD compares: Non-Finnish European, 0.0028%; no homozygotes.

Submissions (5):

Ambry Genetics
Classification: Uncertain significance for Inborn genetic diseases. Last evaluated: 2025-01-28. Review status: criteria provided, single submitter. Criteria: Ambry Variant Classification Scheme 2023. Collection method: clinical testing. Allele origin: germline.

Labcorp Genetics (formerly Invitae), Labcorp
Classification: Uncertain significance. Last evaluated: 2022-03-04. Review status: criteria provided, single submitter. Criteria: Invitae Variant Classification Sherloc (09022015). Collection method: clinical testing. Allele origin: germline.
Comment: This sequence change replaces alanine, which is neutral and non-polar, with valine, which is neutral and non-polar, at codon 743 of the COL9A1 protein (p.Ala743Val). This variant is present in population databases (rs781246762, gnomAD 0.004%). This variant has not been reported in the literature in individuals affected with COL9A1-related conditions. ClinVar contains an entry for this variant (Variation ID: 1318479). Advanced modeling of protein sequence and biophysical properties (such as structural, functional, and spatial information, amino acid conservation, physicochemical variation, residue mobility, and thermodynamic stability) performed at Invitae indicates that this missense variant is not expected to disrupt COL9A1 protein function. In summary, the available evidence is currently insufficient to determine the role of this variant in disease. Therefore, it has been classified as a Variant of Uncertain Significance.

Fulgent Genetics
Classification: Uncertain significance for Stickler syndrome, type 4; Epiphyseal dysplasia, multiple, 6. Last evaluated: 2021-09-24. Review status: criteria provided, single submitter. Criteria: ACMG Guidelines, 2015. Collection method: clinical testing. Allele origin: unknown.

Blueprint Genetics
Classification: Uncertain significance. Last evaluated: 2020-09-23. Review status: criteria provided, single submitter. Criteria: ACMG Guidelines, 2015. Collection method: clinical testing. Allele origin: germline.

GeneDx
Classification: Uncertain significance. Last evaluated: 2020-02-28. Review status: criteria provided, single submitter. Criteria: GeneDx Variant Classification Process June 2021. Collection method: clinical testing. Allele origin: germline. Affected: yes.
Comment: Not observed at a significant frequency in large population cohorts (Lek et al., 2016); In silico analysis supports that this missense variant does not alter protein structure/function; Has not been previously published as pathogenic or benign to our knowledge

NM_001851.6(COL9A1):c.2228C>T (p.Ala743Val)

Gene: COL9A1 (collagen type IX alpha 1 chain; minus strand). Cytogenetic location: 6q13.
Variant type: single nucleotide variant.
Coding change: c.2228C>T on transcript NM_001851.6 (MANE Select); coding-DNA position 2228, C replaced by T.
Protein change: p.Ala743Val; replaces alanine 743 with valine.
Molecular consequence: missense variant. On other transcripts: non-coding transcript variant (1), intron variant (1).
Genome position (GRCh38, 1-based): chr6:70,234,825, G>A on the plus strand (C>T on the coding strand, the complement: COL9A1 is on the minus strand). VCF-style: chr6-70234825-G-A. GRCh37 (hg19) VCF-style: chr6-70944528-G-A.
Other names: c.1529C>T, p.Ala510Val (NM_001377289.1); c.1499C>T, p.Ala500Val (NM_078485.4); c.1384-232C>T (NM_001377290.1); short protein forms A500V, A510V, A743V.
Identifiers: ClinVar variation 1318479 (VCV001318479.8), dbSNP rs781246762, ClinGen allele CA3881831.